The following is an entry in ClinVar:

NM_017636.4(TRPM4):c.1568G>A (p.Gly523Asp)

Gene: TRPM4 (transient receptor potential cation channel subfamily M member 4; plus strand). Cytogenetic location: 19q13.33.
Variant type: single nucleotide variant.
Coding change: c.1568G>A on transcript NM_017636.4 (MANE Select); coding-DNA position 1568, G replaced by A.
Protein change: p.Gly523Asp; replaces glycine 523 with aspartic acid.
Molecular consequence: missense variant. On other transcripts: intron variant (1).
Genome position (GRCh38, 1-based): chr19:49,182,882, G>A. VCF-style: chr19-49182882-G-A. GRCh37 (hg19) VCF-style: chr19-49686139-G-A.
Other names: c.1568G>A, p.Gly523Asp (NM_001195227.2); c.1223G>A, p.Gly408Asp (NM_001321281.2); c.1046G>A, p.Gly349Asp (NM_001321283.2); c.506G>A, p.Gly169Asp (NM_001321285.2); c.-1+15G>A (NM_001321282.2); short protein forms G349D, G523D, G408D, G169D.
Identifiers: ClinVar variation 2864619 (VCV002864619.3), dbSNP rs2122937182, ClinGen allele CA406799831.

ClinVar aggregate classification (germline): Uncertain significance (1 of 4 stars; one submission).

Conditions:
Progressive familial heart block type IB (PFHB1B). Identifiers: Orphanet 871, MedGen C1970298, MONDO:0011474, OMIM 604559.

Submission:

Labcorp Genetics (formerly Invitae), Labcorp
Classification: Uncertain significance for Progressive familial heart block type IB. Last evaluated: 2023-11-27. Review status: criteria provided, single submitter. Criteria: Invitae Variant Classification Sherloc (09022015). Collection method: clinical testing. Allele origin: germline.
Comment: This sequence change replaces glycine, which is neutral and non-polar, with aspartic acid, which is acidic and polar, at codon 523 of the TRPM4 protein (p.Gly523Asp). This variant is not present in population databases (gnomAD no frequency). This variant has not been reported in the literature in individuals affected with TRPM4-related conditions. Algorithms developed to predict the effect of missense changes on protein structure and function output the following: SIFT: "Not Available"; PolyPhen-2: "Benign"; Align-GVGD: "Not Available". The aspartic acid amino acid residue is found in multiple mammalian species, which suggests that this missense change does not adversely affect protein function. In summary, the available evidence is currently insufficient to determine the role of this variant in disease. Therefore, it has been classified as a Variant of Uncertain Significance.